The following is an entry in ClinVar:

ClinVar aggregate classification (germline): Uncertain significance (1 of 4 stars; one submission).

gnomAD v4.1: 3 of 1,613,732 alleles (0.00019%); highest among the groups gnomAD compares: Non-Finnish European, 0.00025%; no homozygotes.

Submission:

Labcorp Genetics (formerly Invitae), Labcorp
Classification: Uncertain significance. Last evaluated: 2022-05-08. Review status: criteria provided, single submitter. Criteria: Invitae Variant Classification Sherloc (09022015). Collection method: clinical testing. Allele origin: germline.
Comment: This sequence change replaces glutamic acid, which is acidic and polar, with alanine, which is neutral and non-polar, at codon 89 of the ASNS protein (p.Glu89Ala). In summary, the available evidence is currently insufficient to determine the role of this variant in disease. Therefore, it has been classified as a Variant of Uncertain Significance. Advanced modeling of protein sequence and biophysical properties (such as structural, functional, and spatial information, amino acid conservation, physicochemical variation, residue mobility, and thermodynamic stability) performed at Invitae indicates that this missense variant is not expected to disrupt ASNS protein function. The frequency data for this variant in the population databases is considered unreliable, as metrics indicate poor data quality at this position in the gnomAD database. This variant has not been reported in the literature in individuals affected with ASNS-related conditions.

NM_001673.5(ASNS):c.266A>C (p.Glu89Ala)

Genes: ASNS (asparagine synthetase (glutamine-hydrolyzing); minus strand), CZ1P-ASNS (CZ1P-ASNS readthrough; minus strand). Cytogenetic location: 7q21.3.
Variant type: single nucleotide variant.
Coding change: c.266A>C on transcript NM_001673.5 (MANE Select); coding-DNA position 266, A replaced by C.
Protein change: p.Glu89Ala; replaces glutamic acid 89 with alanine.
Molecular consequence: missense variant. On other transcripts: non-coding transcript variant (1).
Genome position (GRCh38, 1-based): chr7:97,864,480, T>G on the plus strand (A>C on the coding strand, the complement: ASNS is on the minus strand). VCF-style: chr7-97864480-T-G. GRCh37 (hg19) VCF-style: chr7-97493792-T-G.
Other names: c.203A>C, p.Glu68Ala (NM_001178075.2); c.17A>C, p.Glu6Ala (NM_001178076.2, NM_001178077.1); c.266A>C, p.Glu89Ala (NM_001352496.2, NM_133436.3, NM_183356.4); short protein forms E6A, E68A, E89A.
Identifiers: ClinVar variation 1965550 (VCV001965550.5), dbSNP rs1205679230, ClinGen allele CA368272560.
Genomic context (GRCh38, chr7:97,864,480, plus strand): 5'-CCTCCTTTGTCATAAAGATGAAGGATTATCTCACCATCCACTTTGGTCTGGTATTCAAAT[T>G]CAAAATGCTGTTGCATCTTAGGAAGCGAAAGCAAAACCAAAATGTTAGACTCCTTGTACA-3'
Protein context (NP_001664.3, residues 79-99): YNHKKMQQHF[Glu89Ala]FEYQTKVDGE